The following is an entry in ClinVar:

NM_003235.5(TG):c.4862C>A (p.Thr1621Lys)

Gene: TG (thyroglobulin; plus strand). Cytogenetic location: 8q24.22.
Variant type: single nucleotide variant.
Coding change: c.4862C>A on transcript NM_003235.5 (MANE Select); coding-DNA position 4862, C replaced by A.
Protein change: p.Thr1621Lys; replaces threonine 1621 with lysine.
Molecular consequence: missense variant.
Genome position (GRCh38, 1-based): chr8:132,933,606, C>A. VCF-style: chr8-132933606-C-A. GRCh37 (hg19) VCF-style: chr8-133945851-C-A.
Other names: short protein forms T1621K.
Identifiers: ClinVar variation 361967 (VCV000361967.11), dbSNP rs112003182, ClinGen allele CA4884293.
Genomic context (GRCh38, chr8:132,933,606, plus strand): 5'-CCATGGTGCTTGCAGATTGCACAGAGGACGAGGCCTGCAGCTTCTTCACCGTGTCCACGA[C>A]GGAGCCAGAGATTTCCTGTGATTTCTATGCTTGGACAAGTGACAATGTTGCCTGCATGAC-3'
Protein context (NP_003226.4, residues 1611-1631): EACSFFTVST[Thr1621Lys]EPEISCDFYA

ClinVar aggregate classification (germline): Uncertain significance. Review status: criteria provided, multiple submitters, no conflicts (2 of 4 stars). 5 submissions from 5 submitters: Uncertain significance (5). Last evaluated 2025-11-21.

Conditions:
TG-related disorder. Also called: TG-related condition; TG-related disorders.
Iodotyrosyl coupling defect (TDH3). Also called: HYPOTHYROIDISM, CONGENITAL, DUE TO DYSHORMONOGENESIS, 3; THYROID HORMONOGENESIS, GENETIC DEFECT IN, 3. Identifiers: Orphanet 95716, MedGen C0342194, MONDO:0010135, OMIM 274700.
Inborn genetic diseases. Identifiers: MedGen C0950123, MeSH D030342.

Allele frequency attached by ClinVar (database versions not stated): 1000 Genomes Project 30x 0.00016; gnomAD 0.00016; 1000 Genomes Project 0.00020; ESP Exome Variant Server 0.00031; TOPMed 0.00035.
gnomAD v4.1: 109 of 1,614,072 alleles (0.0068%); highest among the groups gnomAD compares: African/African-American, 0.1%; no homozygotes.

Submissions (5):

Dasa
Classification: Uncertain significance. Last evaluated: 2025-11-21. Review status: criteria provided, single submitter. Criteria: DASA Assertion Criteria. Collection method: clinical testing. Allele origin: germline.
Comment: NM_003235.5(TG):c.4862C>A (p.Thr1621Lys) is a missense variant that results in the substitution of threonine with lysine. This variant is rare in population databases. Computational prediction algorithms are consistent with a benign effect. The currently available literature and clinical evidence are not sufficient to establish a definitive association between this variant and the reported condition. Therefore, this variant is classified as a variant of uncertain significance.

GeneDx
Classification: Uncertain significance. Last evaluated: 2024-05-14. Review status: criteria provided, single submitter. Criteria: GeneDx Variant Classification Process June 2021. Collection method: clinical testing. Allele origin: germline. Affected: yes.
Comment: In silico analysis indicates that this missense variant does not alter protein structure/function; Has not been previously published as pathogenic or benign to our knowledge

PreventionGenetics, part of Exact Sciences
Classification: Uncertain significance for TG-related condition. Last evaluated: 2022-10-14. Review status: criteria provided, single submitter. Criteria: ACMG Guidelines, 2015. Collection method: clinical testing. Allele origin: germline.
Comment: The TG c.4862C>A variant is predicted to result in the amino acid substitution p.Thr1621Lys. To our knowledge, this variant has not been reported in the literature. This variant is reported in 0.096% of alleles in individuals of African descent in gnomAD. At this time, the clinical significance of this variant is uncertain due to the absence of conclusive functional and genetic evidence.

Ambry Genetics
Classification: Uncertain significance for Inborn genetic diseases. Last evaluated: 2021-09-17. Review status: criteria provided, single submitter. Criteria: Ambry Variant Classification Scheme 2023. Collection method: clinical testing. Allele origin: germline.

Illumina Laboratory Services, Illumina
Classification: Uncertain significance for Iodotyrosyl coupling defect. Last evaluated: 2018-01-13. Review status: criteria provided, single submitter. Criteria: ICSL Variant Classification Criteria 13 December 2019. Collection method: clinical testing. Allele origin: germline.